The following is an entry in ClinVar:

ClinVar aggregate classification (germline): Conflicting classifications of pathogenicity. Review status: criteria provided, conflicting classifications (1 of 4 stars). 2 submissions from 2 submitters: Uncertain significance (1); Likely benign (1). Last evaluated 2024-03-08.

Conditions:
Hereditary breast ovarian cancer syndrome. Also called: Hereditary breast and ovarian cancer syndrome; BRCA1- and BRCA2-Associated Hereditary Breast and Ovarian Cancer; Hereditary breast and/or ovarian cancer syndrome; Hereditary breast and ovarian cancer; Hereditary breast and ovarian cancer syndrome (HBOC); Breast and ovarian cancer. Identifiers: Orphanet 145, MedGen C0677776, MeSH D061325, MONDO:0003582. Disease mechanism: loss of function.
Hereditary cancer-predisposing syndrome. Also called: Neoplastic Syndromes, Hereditary; Hereditary Cancer Syndrome; Tumor predisposition; Hereditary neoplastic syndrome. Identifiers: Orphanet 140162, MedGen C0027672, MeSH D009386, MONDO:0015356.

Submissions (2):

Labcorp Genetics (formerly Invitae), Labcorp
Classification: Uncertain significance for Hereditary breast ovarian cancer syndrome. Last evaluated: 2024-03-08. Review status: criteria provided, single submitter. Criteria: Invitae Variant Classification Sherloc (09022015). Collection method: clinical testing. Allele origin: germline.
Comment: This sequence change replaces aspartic acid, which is acidic and polar, with asparagine, which is neutral and polar, at codon 752 of the BRCA2 protein (p.Asp752Asn). This variant is not present in population databases (gnomAD no frequency). This variant has not been reported in the literature in individuals affected with BRCA2-related conditions. ClinVar contains an entry for this variant (Variation ID: 852452). Advanced modeling of protein sequence and biophysical properties (such as structural, functional, and spatial information, amino acid conservation, physicochemical variation, residue mobility, and thermodynamic stability) performed at Invitae indicates that this missense variant is not expected to disrupt BRCA2 protein function with a negative predictive value of 95%. In summary, the available evidence is currently insufficient to determine the role of this variant in disease. Therefore, it has been classified as a Variant of Uncertain Significance.

University of Washington Department of Laboratory Medicine, University of Washington
Classification: Likely benign for Hereditary cancer-predisposing syndrome. Last evaluated: 2023-03-23. Review status: criteria provided, single submitter. Criteria: Dines et al. (Genet Med. 2020). Collection method: curation. Allele origin: germline.
Comment: Missense variant in a coldspot region where missense variants are very unlikely to be pathogenic (PMID:31911673).

BRCA2 exon 11 coldspot. Reclassification based on statistical prior probability.

NM_000059.4(BRCA2):c.2254G>A (p.Asp752Asn)

Gene: BRCA2 (BRCA2 DNA repair associated; plus strand). Cytogenetic location: 13q13.1.
Variant type: single nucleotide variant.
Coding change: c.2254G>A on transcript NM_000059.4 (MANE Select); coding-DNA position 2254, G replaced by A.
Protein change: p.Asp752Asn; replaces aspartic acid 752 with asparagine.
Molecular consequence: missense variant.
Genome position (GRCh38, 1-based): chr13:32,336,609, G>A. VCF-style: chr13-32336609-G-A. GRCh37 (hg19) VCF-style: chr13-32910746-G-A.
Other names: short protein forms D752N.
Identifiers: ClinVar variation 852452 (VCV000852452.11), dbSNP rs2072453633, ClinGen allele CA387770920.
Genomic context (GRCh38, chr13:32,336,609, plus strand): 5'-GAGGTCTTGGCTGCAGCATGTCACCCAGTACAACATTCAAAAGTGGAATACAGTGATACT[G>A]ACTTTCAATCCCAGAAAAGTCTTTTATATGATCATGAAAATGCCAGCACTCTTATTTTAA-3'
Protein context (NP_000050.3, residues 742-762): QHSKVEYSDT[Asp752Asn]FQSQKSLLYD